The following is an entry in ClinVar:

ClinVar aggregate classification (germline): Benign/Likely benign. Review status: criteria provided, multiple submitters, no conflicts (2 of 4 stars). 4 submissions from 4 submitters: Benign (2); Likely benign (2). Last evaluated 2026-01-11.

Conditions:
Hereditary cancer-predisposing syndrome. Also called: Neoplastic Syndromes, Hereditary; Tumor predisposition; Hereditary Cancer Syndrome; Hereditary neoplastic syndrome. Identifiers: Orphanet 140162, MedGen C0027672, MeSH D009386, MONDO:0015356.
Gorlin syndrome. Also called: Nevoid Basal Cell Carcinoma Syndrome; Basal cell nevus syndrome. Identifiers: Orphanet 377, MedGen C0004779, MONDO:0007187.
PTCH1-related disorder. Also called: PTCH1-related disorders; PTCH1-related condition.

Allele frequency attached by ClinVar (database versions not stated): ExAC 0.00001; gnomAD exomes 0.00001 and 0.00002; gnomAD 0.00005 and 0.00006; TOPMed 0.00006.
gnomAD v4.1: 32 of 1,614,112 alleles (0.002%); highest among the groups gnomAD compares: Admixed American, 0.0083%; no homozygotes.

Submissions (4):

Labcorp Genetics (formerly Invitae), Labcorp
Classification: Benign for Gorlin syndrome. Last evaluated: 2026-01-11. Review status: criteria provided, single submitter. Criteria: Invitae Variant Classification Sherloc (09022015). Collection method: clinical testing. Allele origin: germline.

PreventionGenetics, part of Exact Sciences
Classification: Likely benign for PTCH1-related condition. Last evaluated: 2025-07-30. Review status: criteria provided, single submitter. Criteria: ACMG Guidelines, 2015. Collection method: clinical testing. Allele origin: germline.
Comment: This variant is classified as likely benign based on ACMG/AMP sequence variant interpretation guidelines (Richards et al. 2015 PMID: 25741868, with internal and published modifications).

Quest Diagnostics Nichols Institute San Juan Capistrano
Classification: Likely benign. Last evaluated: 2023-08-09. Review status: criteria provided, single submitter. Criteria: Quest Diagnostics criteria. Collection method: clinical testing. Allele origin: unknown.

Ambry Genetics
Classification: Benign for Hereditary cancer-predisposing syndrome. Last evaluated: 2023-04-14. Review status: criteria provided, single submitter. Criteria: Ambry Variant Classification Scheme 2023. Collection method: clinical testing. Allele origin: germline.

Literature cited by the submitters: PubMed 28252636 (cited by Quest Diagnostics Nichols Institute San Juan Capistrano); PubMed 35181726 (cited by Quest Diagnostics Nichols Institute San Juan Capistrano and Ambry Genetics); PubMed 36693175 (cited by Quest Diagnostics Nichols Institute San Juan Capistrano); PubMed 32409749 (cited by Quest Diagnostics Nichols Institute San Juan Capistrano).

NM_000264.5(PTCH1):c.2689A>G (p.Ile897Val)

Gene: PTCH1 (patched 1; minus strand). Cytogenetic location: 9q22.32.
Variant type: single nucleotide variant.
Coding change: c.2689A>G on transcript NM_000264.5 (MANE Select); coding-DNA position 2689, A replaced by G.
Protein change: p.Ile897Val; replaces isoleucine 897 with valine.
Molecular consequence: missense variant. On other transcripts: non-coding transcript variant (1).
Genome position (GRCh38, 1-based): chr9:95,461,870, T>C on the plus strand (A>G on the coding strand, the complement: PTCH1 is on the minus strand). VCF-style: chr9-95461870-T-C. GRCh37 (hg19) VCF-style: chr9-98224152-T-C.
Other names: c.2491A>G, p.Ile831Val (NM_001083602.3); c.2686A>G, p.Ile896Val (NM_001083603.3); c.2236A>G, p.Ile746Val (NM_001083604.3, NM_001083605.3, NM_001083606.3 and 1 more transcripts); c.2533A>G, p.Ile845Val (NM_001354918.2); c.2689A>G (NM_000264.4); short protein forms I831V, I897V, I746V, I845V, I896V.
Identifiers: ClinVar variation 409165 (VCV000409165.17), dbSNP rs758483793, ClinGen allele CA5138353.